The following is an entry in ClinVar:

NM_001130969.3(NSMF):c.367G>A (p.Val123Met)

Gene: NSMF (NMDA receptor synaptonuclear signaling and neuronal migration factor; minus strand). Cytogenetic location: 9q34.3.
Variant type: single nucleotide variant.
Coding change: c.367G>A on transcript NM_001130969.3 (MANE Select); coding-DNA position 367, G replaced by A.
Protein change: p.Val123Met; replaces valine 123 with methionine.
Molecular consequence: missense variant.
Genome position (GRCh38, 1-based): chr9:137,457,668, C>T on the plus strand (G>A on the coding strand, the complement: NSMF is on the minus strand). VCF-style: chr9-137457668-C-T. GRCh37 (hg19) VCF-style: chr9-140352120-C-T.
Other names: c.367G>A, p.Val123Met (NM_001130970.2, NM_001130971.2, NM_001178064.2 and 1 more transcripts); short protein forms V123M.
Identifiers: ClinVar variation 3771321 (VCV003771321.13).

ClinVar aggregate classification (germline): Uncertain significance (1 of 4 stars; one submission).

Submission:

CeGaT Center for Human Genetics Tuebingen
Classification: Uncertain significance. Last evaluated: 2025-01-01. Review status: criteria provided, single submitter. Criteria: CeGaT Center For Human Genetics Tuebingen Variant Classification Criteria Version 2. Collection method: clinical testing. Allele origin: germline. Affected: yes. Observed: 1 variant allele.
Comment: NSMF: PM2